The following is an entry in ClinVar:

NM_001164508.2(NEB):c.24700G>C (p.Ala8234Pro)

Genes: NEB (nebulin; minus strand), RIF1 (replication timing regulatory factor 1; plus strand). Cytogenetic location: 2q23.3.
Variant type: single nucleotide variant.
Coding change: c.24700G>C on transcript NM_001164508.2 (MANE Select); coding-DNA position 24700, G replaced by C.
Protein change: p.Ala8234Pro; replaces alanine 8234 with proline.
Molecular consequence: missense variant.
Genome position (GRCh38, 1-based): chr2:151,493,418, C>G on the plus strand (G>C on the coding strand, the complement: NEB is on the minus strand). VCF-style: chr2-151493418-C-G. GRCh37 (hg19) VCF-style: chr2-152349932-C-G.
Other names: c.24700G>C, p.Ala8234Pro (NM_001164507.2); c.24805G>C, p.Ala8269Pro (NM_001271208.2); c.19132G>C, p.Ala6378Pro (NM_004543.5); short protein forms A8269P, A8234P, A6378P.
Identifiers: ClinVar variation 2088908 (VCV002088908.4), dbSNP rs2058058193, ClinGen allele CA348774856.

ClinVar aggregate classification (germline): Uncertain significance (1 of 4 stars; one submission).

Conditions:
Nemaline myopathy 2 (NEM2). Also called: Nemaline myopathy 2, autosomal recessive. Identifiers: MedGen C1850569, MONDO:0009725, OMIM 256030.

Submission:

Labcorp Genetics (formerly Invitae), Labcorp
Classification: Uncertain significance for Nemaline myopathy 2. Last evaluated: 2022-03-17. Review status: criteria provided, single submitter. Criteria: Invitae Variant Classification Sherloc (09022015). Collection method: clinical testing. Allele origin: germline.
Comment: This sequence change replaces alanine, which is neutral and non-polar, with proline, which is neutral and non-polar, at codon 8269 of the NEB protein (p.Ala8269Pro). This variant is not present in population databases (gnomAD no frequency). This variant has not been reported in the literature in individuals affected with NEB-related conditions. Algorithms developed to predict the effect of missense changes on protein structure and function are either unavailable or do not agree on the potential impact of this missense change (SIFT: "Deleterious"; PolyPhen-2: "Not Available"; Align-GVGD: "Class C0"). In summary, the available evidence is currently insufficient to determine the role of this variant in disease. Therefore, it has been classified as a Variant of Uncertain Significance.